The following is an entry in ClinVar:

NM_022114.4(PRDM16):c.1988C>T (p.Ala663Val)

Gene: PRDM16 (PR/SET domain 16; plus strand). Cytogenetic location: 1p36.32.
Variant type: single nucleotide variant.
Coding change: c.1988C>T on transcript NM_022114.4 (MANE Select); coding-DNA position 1988, C replaced by T.
Protein change: p.Ala663Val; replaces alanine 663 with valine.
Molecular consequence: missense variant.
Genome position (GRCh38, 1-based): chr1:3,412,185, C>T. VCF-style: chr1-3412185-C-T. GRCh37 (hg19) VCF-style: chr1-3328749-C-T.
Other names: c.1988C>T, p.Ala663Val (NM_199454.3); short protein forms A663V.
Identifiers: ClinVar variation 2740438 (VCV002740438.3), dbSNP rs377688111, ClinGen allele CA16967152.
Genomic context (GRCh38, chr1:3,412,185, plus strand): 5'-CCGAGGGCCAGCCCAAGTTTGGGGGCGGCTTGGCGCCCCCGGGGGCCCCGAACAGCGTGG[C>T]CGAGGTGCCTGTCTTCTATTCCCAGCACTCATTCTTCCCGCCACCCGACGAGCAGCTGCT-3'
Protein context (NP_071397.3, residues 653-673): LAPPGAPNSV[Ala663Val]EVPVFYSQHS

ClinVar aggregate classification (germline): Uncertain significance (1 of 4 stars; one submission).

Conditions:
Left ventricular noncompaction 8 (LVNC8). Identifiers: Orphanet 154, Orphanet 54260, MedGen C3809288, MONDO:0014152, OMIM 615373.

Allele frequency attached by ClinVar (database versions not stated): gnomAD 0.00001; ESP Exome Variant Server 0.00008; gnomAD exomes below 0.00001; TOPMed 0.00001.
gnomAD v4.1: 7 of 1,591,764 alleles (0.00044%); highest among the groups gnomAD compares: Non-Finnish European, 0.0006%; no homozygotes.

Submission:

Labcorp Genetics (formerly Invitae), Labcorp
Classification: Uncertain significance for Left ventricular noncompaction 8. Last evaluated: 2025-10-08. Review status: criteria provided, single submitter. Criteria: Invitae Variant Classification Sherloc (09022015). Collection method: clinical testing. Allele origin: germline.
Comment: This sequence change replaces alanine, which is neutral and non-polar, with valine, which is neutral and non-polar, at codon 663 of the PRDM16 protein (p.Ala663Val). This variant is present in population databases (rs377688111, gnomAD 0.002%). This variant has not been reported in the literature in individuals affected with PRDM16-related conditions. ClinVar contains an entry for this variant (Variation ID: 2740438). An algorithm developed to predict the effect of missense changes on protein structure and function (PolyPhen-2) suggests that this variant is likely to be tolerated. In summary, the available evidence is currently insufficient to determine the role of this variant in disease. Therefore, it has been classified as a Variant of Uncertain Significance.